The following is an entry in ClinVar:

ClinVar aggregate classification (germline): Conflicting classifications of pathogenicity. Review status: criteria provided, conflicting classifications (1 of 4 stars). 4 submissions from 3 submitters: Uncertain significance (2); Benign (1). 1 of the submissions does not count toward it. Last evaluated 2025-10-27.

Conditions:
Developmental and epileptic encephalopathy, 1 (DEE1). Also called: X-linked infantile spasms; West's syndrome; Tonic spasms with clustering, arrest of psychomotor development and hypsarrhythmia on EEG; X-Linked Infantile Spasm Syndrome; OHTAHARA SYNDROME, X-LINKED; Epileptic encephalopathy, early infantile, 1. Identifiers: MedGen C3463992, MONDO:0010632, OMIM 308350. Disease mechanism: loss of function.
Autosomal recessive spinocerebellar ataxia 12. Also called: SPINOCEREBELLAR ATAXIA WITH MENTAL RETARDATION AND EPILEPSY. Identifiers: Orphanet 284282, MedGen C3280452, MONDO:0013687, OMIM 614322.
Inborn genetic diseases. Identifiers: MedGen C0950123, MeSH D030342.

Allele frequency attached by ClinVar (database versions not stated): gnomAD exomes 0.00001 and 0.00002; gnomAD 0.00009 and 0.00010; TOPMed 0.00012.
gnomAD v4.1: 35 of 1,614,042 alleles (0.0022%); highest among the groups gnomAD compares: African/African-American, 0.04%; no homozygotes.

Submissions (4):

Labcorp Genetics (formerly Invitae), Labcorp
Classification: Benign for Developmental and epileptic encephalopathy, 1; Autosomal recessive spinocerebellar ataxia 12. Last evaluated: 2025-10-27. Review status: criteria provided, single submitter. Criteria: Invitae Variant Classification Sherloc (09022015). Collection method: clinical testing. Allele origin: germline.

Ambry Genetics
Classification: Uncertain significance for Inborn genetic diseases. Last evaluated: 2025-01-22. Review status: criteria provided, single submitter. Criteria: Ambry Variant Classification Scheme 2023. Collection method: clinical testing. Allele origin: germline.

GeneDx
Classification: Uncertain significance. Last evaluated: 2019-12-16. Review status: criteria provided, single submitter. Criteria: GeneDx Variant Classification Process June 2021. Collection method: clinical testing. Allele origin: germline. Affected: yes.
Comment: In silico analysis, which includes protein predictors and evolutionary conservation, supports that this variant does not alter protein structure/function; Has not been previously published as pathogenic or benign to our knowledge

GeneDx
Classification: Uncertain significance. Last evaluated: 2016-11-21. Review status: flagged submission. Criteria: GeneDx Variant Classification (06012015). Collection method: clinical testing. Allele origin: germline. Affected: yes. Not counted in ClinVar's aggregate classification.
Comment: A variant of uncertain significance has been identified in the WWOX gene. The K284R variant has not been published as a pathogenic variant, nor has it been reported as a benign variant to our knowledge. It was not observed in approximately 6,100 individuals of European and African American ancestry in the NHLBI Exome Sequencing Project, indicating it is not a common benign variant in these populations. The K284R variant is a conservative amino acid substitution, which is not likely to impact secondary protein structure as these residues share similar properties. This substitution occurs at a position that is not conserved and in silico analysis predicts this variant likely does not alter the protein structure/function. Based on the currently available information, it is unclear whether this variant is a pathogenic variant or a rare benign variant.
ClinVar note: Reason: This record appears to be redundant with a more recent record from the same submitter.
ClinVar note: Notes: SCV000492129 appears to be redundant with SCV001822823.

NM_016373.4(WWOX):c.851A>G (p.Lys284Arg)

Gene: WWOX (WW domain containing oxidoreductase; plus strand). Cytogenetic location: 16q23.1.
Variant type: single nucleotide variant.
Coding change: c.851A>G on transcript NM_016373.4 (MANE Select); coding-DNA position 851, A replaced by G.
Protein change: p.Lys284Arg; replaces lysine 284 with arginine.
Molecular consequence: missense variant.
Genome position (GRCh38, 1-based): chr16:78,432,547, A>G. VCF-style: chr16-78432547-A-G. GRCh37 (hg19) VCF-style: chr16-78466444-A-G.
Other names: c.512A>G, p.Lys171Arg (NM_001291997.2); short protein forms K284R, K171R.
Identifiers: ClinVar variation 373531 (VCV000373531.16), dbSNP rs897453553, ClinGen allele CA16043024.